The following is an entry in ClinVar:

NM_001374353.1(GLI2):c.3504C>T (p.Gly1168=)

Gene: GLI2 (GLI family zinc finger 2; plus strand). Cytogenetic location: 2q14.2.
Variant type: single nucleotide variant.
Coding change: c.3504C>T on transcript NM_001374353.1 (MANE Select); coding-DNA position 3504, C replaced by T.
Protein change: p.Gly1168=; no amino-acid change (glycine 1168 retained).
Molecular consequence: synonymous variant.
Genome position (GRCh38, 1-based): chr2:120,989,469, C>T. VCF-style: chr2-120989469-C-T. GRCh37 (hg19) VCF-style: chr2-121747045-C-T.
Other names: c.3555C>T (NM_005270.4); c.3555C>T, p.Gly1185= (NM_001371271.1, NM_005270.5); c.3129C>T, p.Gly1043= (NM_001374354.1).
Identifiers: ClinVar variation 2940993 (VCV002940993.4), dbSNP rs371685394, ClinGen allele CA1852416.

ClinVar aggregate classification (germline): Likely benign. Review status: criteria provided, single submitter (1 of 4 stars). 2 submissions from 2 submitters: Likely benign (1). 1 of the submissions does not count toward it. Last evaluated 2023-03-13.

Conditions:
GLI2-related disorder. Also called: GLI2-related condition; GLI2-related disorders.
Holoprosencephaly 9 (HPE9). Also called: PITUITARY ANOMALIES WITH HOLOPROSENCEPHALY-LIKE FEATURES; HOLOPROSENCEPHALY WITH MICROPHTHALMIA AND FIRST BRANCHIAL ARCH ANOMALIES. Identifiers: Orphanet 2162, MedGen C1835819, MONDO:0012563, OMIM 610829.
Postaxial polydactyly-anterior pituitary anomalies-facial dysmorphism syndrome. Also called: Culler-Jones syndrome. Identifiers: Orphanet 420584, MedGen C4014479, MONDO:0014369, OMIM 615849.

Allele frequency attached by ClinVar (database versions not stated): gnomAD exomes below 0.00001; gnomAD 0.00001; TOPMed 0.00001; ExAC 0.00002; ESP Exome Variant Server 0.00008.
gnomAD v4.1: 3 of 1,613,006 alleles (0.00019%); highest among the groups gnomAD compares: African/African-American, 0.0027%; no homozygotes.

Submissions (2):

Labcorp Genetics (formerly Invitae), Labcorp
Classification: Likely benign for Postaxial polydactyly-anterior pituitary anomalies-facial dysmorphism syndrome; Holoprosencephaly 9. Last evaluated: 2023-03-13. Review status: criteria provided, single submitter. Criteria: Invitae Variant Classification Sherloc (09022015). Collection method: clinical testing. Allele origin: germline.

PreventionGenetics, part of Exact Sciences
Classification: Likely benign for GLI2-related condition. Last evaluated: 2024-09-06. Review status: no assertion criteria provided. Collection method: clinical testing. Allele origin: germline. Not counted in ClinVar's aggregate classification.
Comment: This variant is classified as likely benign based on ACMG/AMP sequence variant interpretation guidelines (Richards et al. 2015 PMID: 25741868, with internal and published modifications).